The following is an entry in ClinVar:

ClinVar aggregate classification (germline): Likely pathogenic (1 of 4 stars; one submission).

Conditions:
Autosomal recessive limb-girdle muscular dystrophy type 2B (LGMDR2). Also called: Limb-girdle muscular dystrophy, type 2B; MUSCULAR DYSTROPHY, LIMB-GIRDLE, AUTOSOMAL RECESSIVE 2; MUSCULAR DYSTROPHY, LIMB-GIRDLE, TYPE 3; Limb-Girdle Muscular Dystrophy Type 2B (LGMD2B). Identifiers: Orphanet 268, MedGen C1850889, MONDO:0009676, OMIM 253601.

Submission:

MGZ Medical Genetics Center
Classification: Likely pathogenic for Autosomal recessive limb-girdle muscular dystrophy type 2B. Last evaluated: 2022-08-03. Review status: criteria provided, single submitter. Criteria: ACMG Guidelines, 2015. Collection method: clinical testing. Allele origin: germline. Affected: yes. Observed: 1 variant allele.
Comment: ACMG criteria applied: PVS1, PM2_SUP

NM_001130987.2(DYSF):c.5724dup (p.Arg1909fs)

Gene: DYSF (dysferlin; plus strand). Cytogenetic location: 2p13.2.
Variant type: Duplication.
Coding change: c.5724dup on transcript NM_001130987.2 (MANE Select); coding-DNA position 5724, one base duplicated (G; older notation c.5724dupG).
Protein change: p.Arg1909fs; shifts the reading frame from arginine 1909.
Molecular consequence: frameshift variant.
Genome position (GRCh38, 1-based): chr2:71,669,686, G duplicated; the last of 2 consecutive G bases (chr2:71,669,685-71,669,686); duplicating either gives the same sequence. VCF-style (leftmost placement, unchanged base first): chr2-71669684-T-TG. GRCh37 (hg19) VCF-style: chr2-71896814-T-TG.
Other names: c.5610dup, p.Arg1871fs (NM_001130455.2); c.5565dup, p.Arg1856fs (NM_001130976.2); c.5628dup, p.Arg1877fs (NM_001130977.2); c.5670dup, p.Arg1891fs (NM_001130978.2); c.5700dup, p.Arg1901fs (NM_001130979.2); c.5658dup, p.Arg1887fs (NM_001130980.2); c.5721dup, p.Arg1908fs (NM_001130981.2); c.5703dup, p.Arg1902fs (NM_001130982.2); and 5 more; short protein forms R1856fs, R1857fs, R1870fs, R1871fs, R1877fs, R1878fs, R1887fs, R1888fs.
Identifiers: ClinVar variation 1709644 (VCV001709644.2), dbSNP rs2546579674, ClinGen allele CA2580067850.